The following is an entry in ClinVar:

NM_001365536.1(SCN9A):c.3824C>T (p.Ala1275Val)

Genes: SCN9A (sodium voltage-gated channel alpha subunit 9; minus strand), SCN1A-AS1 (SCN1A and SCN9A antisense RNA 1; plus strand). Cytogenetic location: 2q24.3.
Variant type: single nucleotide variant.
Coding change: c.3824C>T on transcript NM_001365536.1 (MANE Select); coding-DNA position 3824, C replaced by T.
Protein change: p.Ala1275Val; replaces alanine 1275 with valine.
Molecular consequence: missense variant.
Genome position (GRCh38, 1-based): chr2:166,233,440, G>A on the plus strand (C>T on the coding strand, the complement: SCN9A is on the minus strand). VCF-style: chr2-166233440-G-A. GRCh37 (hg19) VCF-style: chr2-167089950-G-A.
Other names: c.3791C>T, p.Ala1264Val (NM_002977.4); short protein forms A1264V, A1275V.
Identifiers: ClinVar variation 3763707 (VCV003763707.2).

ClinVar aggregate classification (germline): Uncertain significance (1 of 4 stars; one submission).

Conditions:
Neuropathy, hereditary sensory and autonomic, type 2A (HSAN2A). Also called: NEUROPATHY, HEREDITARY SENSORY RADICULAR, AUTOSOMAL RECESSIVE; NEUROPATHY, HEREDITARY SENSORY, TYPE IIA; NEUROPATHY, PROGRESSIVE SENSORY, OF CHILDREN; WNK1-Related HSAN2 (HSAN2A); ACROOSTEOLYSIS, GIACCAI TYPE; ACROOSTEOLYSIS, NEUROGENIC. Identifiers: Orphanet 970, MedGen C2752089, MONDO:0024309, OMIM 201300.
Generalized epilepsy with febrile seizures plus, type 7 (GEFSP7). Also called: GEFS+, TYPE 7. Identifiers: Orphanet 36387, MedGen C2751778, MONDO:0013470, OMIM 613863.

gnomAD v4.1: 4 of 1,570,994 alleles (0.00025%); highest among the groups gnomAD compares: African/African-American, 0.0028%; no homozygotes.

Submission:

Labcorp Genetics (formerly Invitae), Labcorp
Classification: Uncertain significance for Neuropathy, hereditary sensory and autonomic, type 2A; Generalized epilepsy with febrile seizures plus, type 7. Last evaluated: 2024-03-03. Review status: criteria provided, single submitter. Criteria: Invitae Variant Classification Sherloc (09022015). Collection method: clinical testing. Allele origin: germline.
Comment: This sequence change replaces alanine, which is neutral and non-polar, with valine, which is neutral and non-polar, at codon 1264 of the SCN9A protein (p.Ala1264Val). This variant is not present in population databases (gnomAD no frequency). This variant has not been reported in the literature in individuals affected with SCN9A-related conditions. Advanced modeling of protein sequence and biophysical properties (such as structural, functional, and spatial information, amino acid conservation, physicochemical variation, residue mobility, and thermodynamic stability) performed at Invitae indicates that this missense variant is not expected to disrupt SCN9A protein function with a negative predictive value of 95%. In summary, the available evidence is currently insufficient to determine the role of this variant in disease. Therefore, it has been classified as a Variant of Uncertain Significance.